The following is an entry in ClinVar:

NM_152866.3(MS4A1):c.59C>T (p.Pro20Leu)

Gene: MS4A1 (membrane spanning 4-domains A1; plus strand). Cytogenetic location: 11q12.2.
Variant type: single nucleotide variant.
Coding change: c.59C>T on transcript NM_152866.3 (MANE Select); coding-DNA position 59, C replaced by T.
Protein change: p.Pro20Leu; replaces proline 20 with leucine.
Molecular consequence: missense variant.
Genome position (GRCh38, 1-based): chr11:60,462,433, C>T. VCF-style: chr11-60462433-C-T. GRCh37 (hg19) VCF-style: chr11-60229906-C-T.
Other names: c.59C>T (NM_152866.2); c.59C>T, p.Pro20Leu (NM_021950.4, NM_152867.2); short protein forms P20L.
Identifiers: ClinVar variation 1444995 (VCV001444995.9), dbSNP rs2135197222, ClinGen allele CA380597701.

ClinVar aggregate classification (germline): Uncertain significance. Review status: criteria provided, multiple submitters, no conflicts (2 of 4 stars). 2 submissions from 2 submitters: Uncertain significance (2). Last evaluated 2025-02-02.

Submissions (2):

Labcorp Genetics (formerly Invitae), Labcorp
Classification: Uncertain significance. Last evaluated: 2025-02-02. Review status: criteria provided, single submitter. Criteria: Invitae Variant Classification Sherloc (09022015). Collection method: clinical testing. Allele origin: germline.
Comment: This sequence change replaces proline, which is neutral and non-polar, with leucine, which is neutral and non-polar, at codon 20 of the MS4A1 protein (p.Pro20Leu). This variant is not present in population databases (gnomAD no frequency). This variant has not been reported in the literature in individuals affected with MS4A1-related conditions. ClinVar contains an entry for this variant (Variation ID: 1444995). An algorithm developed to predict the effect of missense changes on protein structure and function (PolyPhen-2) suggests that this variant is likely to be tolerated. In summary, the available evidence is currently insufficient to determine the role of this variant in disease. Therefore, it has been classified as a Variant of Uncertain Significance.

Ambry Genetics
Classification: Uncertain significance. Last evaluated: 2024-10-20. Review status: criteria provided, single submitter. Criteria: Ambry Variant Classification Scheme 2023. Collection method: clinical testing. Allele origin: germline.